The following is an entry in ClinVar:

NM_001852.4(COL9A2):c.580C>T (p.His194Tyr)

Gene: COL9A2 (collagen type IX alpha 2 chain; minus strand). Cytogenetic location: 1p34.2.
Variant type: single nucleotide variant.
Coding change: c.580C>T on transcript NM_001852.4 (MANE Select); coding-DNA position 580, C replaced by T.
Protein change: p.His194Tyr; replaces histidine 194 with tyrosine.
Molecular consequence: missense variant.
Genome position (GRCh38, 1-based): chr1:40,311,143, G>A on the plus strand (C>T on the coding strand, the complement: COL9A2 is on the minus strand). VCF-style: chr1-40311143-G-A. GRCh37 (hg19) VCF-style: chr1-40776815-G-A.
Other names: short protein forms H194Y.
Identifiers: ClinVar variation 1972555 (VCV001972555.5), dbSNP rs1259600076, ClinGen allele CA339855858.

ClinVar aggregate classification (germline): Uncertain significance (1 of 4 stars; one submission).

Allele frequency attached by ClinVar (database versions not stated): gnomAD exomes below 0.00001; TOPMed below 0.00001.
gnomAD v4.1: 8 of 1,614,200 alleles (0.0005%); highest among the groups gnomAD compares: Admixed American, 0.0033%; no homozygotes.

Submission:

Labcorp Genetics (formerly Invitae), Labcorp
Classification: Uncertain significance. Last evaluated: 2024-07-23. Review status: criteria provided, single submitter. Criteria: Invitae Variant Classification Sherloc (09022015). Collection method: clinical testing. Allele origin: germline.
Comment: This sequence change replaces histidine, which is basic and polar, with tyrosine, which is neutral and polar, at codon 194 of the COL9A2 protein (p.His194Tyr). This variant is present in population databases (no rsID available, gnomAD 0.006%). This variant has not been reported in the literature in individuals affected with COL9A2-related conditions. ClinVar contains an entry for this variant (Variation ID: 1972555). Advanced modeling of protein sequence and biophysical properties (such as structural, functional, and spatial information, amino acid conservation, physicochemical variation, residue mobility, and thermodynamic stability) performed at Invitae indicates that this missense variant is not expected to disrupt COL9A2 protein function with a negative predictive value of 95%. In summary, the available evidence is currently insufficient to determine the role of this variant in disease. Therefore, it has been classified as a Variant of Uncertain Significance.